The following is an entry in ClinVar:

NM_015386.3(COG4):c.2130_2145del (p.Glu711fs)

Gene: COG4 (component of oligomeric golgi complex 4; minus strand). Cytogenetic location: 16q22.1.
Variant type: Deletion.
Coding change: c.2130_2145del on transcript NM_015386.3 (MANE Select); coding-DNA positions 2130 to 2145, 16 bases deleted (GGAGCTGAGGTCGCTC).
Protein change: p.Glu711fs; shifts the reading frame from glutamic acid 711.
Molecular consequence: frameshift variant. On other transcripts: non-coding transcript variant (1).
Genome position (GRCh38, 1-based): chr16:70,481,449-70,481,464, GAGCGACCTCAGCTCC deleted on the plus strand (GGAGCTGAGGTCGCTC on the coding strand, the reverse complement: COG4 is on the minus strand). VCF-style (leftmost placement, unchanged base first): chr16-70481448-TGAGCGACCTCAGCTCC-T. GRCh37 (hg19) VCF-style: chr16-70515351-TGAGCGACCTCAGCTCC-T.
Other names: c.2055_2070del, p.Glu686fs (NM_001195139.2); c.1704_1719del, p.Glu569fs (NM_001365426.1); short protein forms E569fs, E686fs, E711fs.
Identifiers: ClinVar variation 4851615 (VCV004851615.1).
Genomic context (GRCh38, chr16:70,481,448, plus strand): 5'-GGGAGAGCCGGGCAAACTTGTCTCGGATGGTCCAGGTGGTCACCGTGGTAAGGTAGGCAA[TGAGCGACCTCAGCTCC>T]TTGTCAAACTGCAGACCACCCAGCTGCAGGAGAACCCAAGCCCAGTCACTACTTAGGCCT-3'

ClinVar aggregate classification (germline): Pathogenic (1 of 4 stars; one submission).

Conditions:
Fetal anomalies with a likely genetic cause.

Submission:

Genetics Laboratory, Great Ormond Street Hospital NHS Foundation Trust, North Thames Genomic Laboratory Hub
Classification: Pathogenic for Fetal anomalies with a likely genetic cause. Last evaluated: 2026-03-30. Review status: criteria provided, single submitter. Criteria: ACGS Best Practice Guidelines for Variant Classification in Rare Disease 2024 v1.2. Collection method: clinical testing. Allele origin: germline. Affected: yes.
Comment: PM2_moderate, PVS1_very-strong